The following is an entry in ClinVar:

NM_000152.5(GAA):c.1571A>C (p.Asn524Thr)

Gene: GAA (alpha glucosidase; plus strand). Cytogenetic location: 17q25.3.
Variant type: single nucleotide variant.
Coding change: c.1571A>C on transcript NM_000152.5 (MANE Select); coding-DNA position 1571, A replaced by C.
Protein change: p.Asn524Thr; replaces asparagine 524 with threonine.
Molecular consequence: missense variant.
Genome position (GRCh38, 1-based): chr17:80,110,960, A>C. VCF-style: chr17-80110960-A-C. GRCh37 (hg19) VCF-style: chr17-78084759-A-C.
Other names: c.1571A>C, p.Asn524Thr (NM_001079803.3, NM_001079804.3, NM_001406741.1 and 1 more transcripts); short protein forms N524T.
Identifiers: ClinVar variation 2441612 (VCV002441612.6), dbSNP rs1379211438, ClinGen allele CA401367221.

ClinVar aggregate classification (germline): Conflicting classifications of pathogenicity. Review status: criteria provided, conflicting classifications (1 of 4 stars). 3 submissions from 3 submitters: Likely pathogenic (1); Uncertain significance (2). Last evaluated 2026-05-28.

Conditions:
Glycogen storage disease, type II (IOPD). Also called: POMPE DISEASE, INFANTILE-ONSET; GLYCOGEN STORAGE DISEASE II, INFANTILE-ONSET; ACID ALPHA-GLUCOSIDASE DEFICIENCY, INFANTILE-ONSET; GAA DEFICIENCY, INFANTILE-ONSET; ACID MALTASE DEFICIENCY, INFANTILE-ONSET; Glucosidase acid-1,4-alpha deficiency. Identifiers: Orphanet 365, MedGen C0017921, MONDO:0009290, OMIM 232300.

Submissions (3):

Myriad Genetics, Inc.
Classification: Uncertain significance for Glycogen storage disease, type II. Last evaluated: 2026-05-28. Review status: criteria provided, single submitter. Criteria: Myriad Autosomal Dominant, Autosomal Recessive and X-Linked Classification Criteria (2023). Collection method: clinical testing. Allele origin: unknown.
Comment: NM_000152.3(GAA):c.1571A>C(N524T) is a missense variant classified as a variant of uncertain significance in the context of Pompe disease. N524T has not been observed in cases with relevant disease. Relevant functional assessments of this variant are not available in the literature. N524T has not been observed in referenced population frequency databases. In summary, there is insufficient evidence to classify NM_000152.3(GAA):c.1571A>C(N524T) as pathogenic or benign. Please note: this variant was assessed in the context of healthy population screening.

Labcorp Genetics (formerly Invitae), Labcorp
Classification: Likely pathogenic for Glycogen storage disease, type II. Last evaluated: 2024-05-13. Review status: criteria provided, single submitter. Criteria: Invitae Variant Classification Sherloc (09022015). Collection method: clinical testing. Allele origin: germline.
Comment: This sequence change replaces asparagine, which is neutral and polar, with threonine, which is neutral and polar, at codon 524 of the GAA protein (p.Asn524Thr). This variant is not present in population databases (gnomAD no frequency). This variant has not been reported in the literature in individuals affected with GAA-related conditions. ClinVar contains an entry for this variant (Variation ID: 2441612). Advanced modeling of protein sequence and biophysical properties (such as structural, functional, and spatial information, amino acid conservation, physicochemical variation, residue mobility, and thermodynamic stability) performed at Invitae indicates that this missense variant is expected to disrupt GAA protein function with a positive predictive value of 95%. This variant disrupts the p.Asn524 amino acid residue in GAA. Other variant(s) that disrupt this residue have been determined to be pathogenic (PMID: 34852371). This suggests that this residue is clinically significant, and that variants that disrupt this residue are likely to be disease-causing. In summary, the currently available evidence indicates that the variant is pathogenic, but additional data are needed to prove that conclusively. Therefore, this variant has been classified as Likely Pathogenic.

Revvity Omics, Revvity
Classification: Uncertain significance. Last evaluated: 2019-01-11. Review status: criteria provided, single submitter. Criteria: ACMG Guidelines, 2015. Collection method: clinical testing. Allele origin: germline.

Literature cited by the submitters: PubMed 34852371 (cited by Labcorp Genetics (formerly Invitae), Labcorp).